The following is an entry in ClinVar:

ClinVar aggregate classification (germline): Uncertain significance (1 of 4 stars; one submission).

gnomAD v4.1: 3 of 1,613,300 alleles (0.00019%); highest among the groups gnomAD compares: Non-Finnish European, 0.00017%; no homozygotes.

Submission:

Labcorp Genetics (formerly Invitae), Labcorp
Classification: Uncertain significance. Last evaluated: 2022-06-13. Review status: criteria provided, single submitter. Criteria: Invitae Variant Classification Sherloc (09022015). Collection method: clinical testing. Allele origin: germline.
Comment: In summary, the available evidence is currently insufficient to determine the role of this variant in disease. Therefore, it has been classified as a Variant of Uncertain Significance. Algorithms developed to predict the effect of missense changes on protein structure and function (SIFT, PolyPhen-2, Align-GVGD) all suggest that this variant is likely to be tolerated. This variant has not been reported in the literature in individuals affected with PRPF8-related conditions. This variant is not present in population databases (gnomAD no frequency). This sequence change replaces asparagine, which is neutral and polar, with aspartic acid, which is acidic and polar, at codon 300 of the PRPF8 protein (p.Asn300Asp).

NM_006445.4(PRPF8):c.898A>G (p.Asn300Asp)

Gene: PRPF8 (pre-mRNA processing factor 8; minus strand). Cytogenetic location: 17p13.3.
Variant type: single nucleotide variant.
Coding change: c.898A>G on transcript NM_006445.4 (MANE Select); coding-DNA position 898, A replaced by G.
Protein change: p.Asn300Asp; replaces asparagine 300 with aspartic acid.
Molecular consequence: missense variant.
Genome position (GRCh38, 1-based): chr17:1,681,023, T>C on the plus strand (A>G on the coding strand, the complement: PRPF8 is on the minus strand). VCF-style: chr17-1681023-T-C. GRCh37 (hg19) VCF-style: chr17-1584317-T-C.
Other names: short protein forms N300D.
Identifiers: ClinVar variation 1402251 (VCV001402251.8), dbSNP rs2151131263, ClinGen allele CA397566218.